The following is an entry in ClinVar:

NM_000214.3(JAG1):c.562G>T (p.Asp188Tyr)

Gene: JAG1 (jagged canonical Notch ligand 1; minus strand). Cytogenetic location: 20p12.2.
Variant type: single nucleotide variant.
Coding change: c.562G>T on transcript NM_000214.3 (MANE Select); coding-DNA position 562, G replaced by T.
Protein change: p.Asp188Tyr; replaces aspartic acid 188 with tyrosine.
Molecular consequence: missense variant.
Genome position (GRCh38, 1-based): chr20:10,658,600, C>A on the plus strand (G>T on the coding strand, the complement: JAG1 is on the minus strand). VCF-style: chr20-10658600-C-A. GRCh37 (hg19) VCF-style: chr20-10639248-C-A.
Other names: short protein forms D188Y.
Identifiers: ClinVar variation 3573066 (VCV003573066.2).

Conditions:
Arteriohepatic dysplasia. Also called: Alagille Syndrome. Identifiers: Orphanet 52, MedGen C0085280, MeSH D016738, MONDO:0007318.

Submission:

Gilbert/Spinner Lab, Children's Hospital of Philadelphia
No classification provided (evidence only). Condition: Alagille syndrome. Review status: no classification provided. Collection method: research. Allele origin: not applicable. Functional consequence: functionally_abnormal.
ClinVar note: "not provided" was previously submitted as the classification for the variant. However, the classification appeared to be based only on an observation of functional data so it was converted to no classification on 2025-07-30.